The following is an entry in ClinVar:

NM_001035.3(RYR2):c.6023-135C>G

Gene: RYR2 (ryanodine receptor 2; plus strand). Cytogenetic location: 1q43.
Variant type: single nucleotide variant.
Coding change: c.6023-135C>G on transcript NM_001035.3 (MANE Select); 135 bases into the intron before coding-DNA position 6023, C replaced by G.
Molecular consequence: intron variant.
Genome position (GRCh38, 1-based): chr1:237,625,526, C>G. VCF-style: chr1-237625526-C-G. GRCh37 (hg19) VCF-style: chr1-237788826-C-G.
Identifiers: ClinVar variation 672077 (VCV000672077.1), dbSNP rs6659362, ClinGen allele CA39837887.

ClinVar aggregate classification (germline): Benign (1 of 4 stars; one submission).

Allele frequency attached by ClinVar (database versions not stated): gnomAD 0.23734 and 0.24714; 1000 Genomes Project 0.24940; TOPMed 0.24959; 1000 Genomes Project 30x 0.25921.
gnomAD v4.1: 125,818 of 812,178 alleles (15%); highest among the groups gnomAD compares: African/African-American, 52%; 14,283 homozygotes.

Submission:

GeneDx
Classification: Benign. Last evaluated: 2018-06-18. Review status: criteria provided, single submitter. Criteria: GeneDx Variant Classification (06012015). Collection method: clinical testing. Allele origin: germline. Affected: yes.
Comment: This variant is considered likely benign or benign based on one or more of the following criteria: it is a conservative change, it occurs at a poorly conserved position in the protein, it is predicted to be benign by multiple in silico algorithms, and/or has population frequency not consistent with disease.